The following is an entry in ClinVar:

ClinVar aggregate classification (germline): Uncertain significance (1 of 4 stars; one submission).

Allele frequency attached by ClinVar (database versions not stated): gnomAD exomes below 0.00001; ExAC 0.00001.
gnomAD v4.1: 2 of 1,612,558 alleles (0.00012%); highest among the groups gnomAD compares: Non-Finnish European, 0.00017%; no homozygotes.

Submission:

Labcorp Genetics (formerly Invitae), Labcorp
Classification: Uncertain significance. Last evaluated: 2021-10-22. Review status: criteria provided, single submitter. Criteria: Invitae Variant Classification Sherloc (09022015). Collection method: clinical testing. Allele origin: germline.
Comment: This sequence change replaces leucine with phenylalanine at codon 1306 of the FAT4 protein (p.Leu1306Phe). The leucine residue is highly conserved and there is a small physicochemical difference between leucine and phenylalanine. This variant is present in population databases (rs758711821, ExAC 0.001%). This variant has not been reported in the literature in individuals affected with FAT4-related conditions. Advanced modeling of protein sequence and biophysical properties (such as structural, functional, and spatial information, amino acid conservation, physicochemical variation, residue mobility, and thermodynamic stability) performed at Invitae indicates that this missense variant is not expected to disrupt FAT4 protein function. In summary, the available evidence is currently insufficient to determine the role of this variant in disease. Therefore, it has been classified as a Variant of Uncertain Significance.

NM_001291303.3(FAT4):c.3918A>T (p.Leu1306Phe)

Gene: FAT4 (FAT atypical cadherin 4; plus strand). Cytogenetic location: 4q28.1.
Variant type: single nucleotide variant.
Coding change: c.3918A>T on transcript NM_001291303.3 (MANE Select); coding-DNA position 3918, A replaced by T.
Protein change: p.Leu1306Phe; replaces leucine 1306 with phenylalanine.
Molecular consequence: missense variant.
Genome position (GRCh38, 1-based): chr4:125,320,329, A>T. VCF-style: chr4-125320329-A-T. GRCh37 (hg19) VCF-style: chr4-126241484-A-T.
Other names: c.3918A>T, p.Leu1306Phe (NM_001291285.3, NM_024582.6); short protein forms L1306F.
Identifiers: ClinVar variation 1483611 (VCV001483611.6), dbSNP rs758711821, ClinGen allele CA3072384.
Genomic context (GRCh38, chr4:125,320,329, plus strand): 5'-AGCAGTGGATTCAGGGACAATCCCCCTCAATTCAACGTGTACTTTAAATATTGATATTTT[A>T]GATGAAAATGACAATACCCCTTCTTTCCCTAAATCAACACTCTTTGTTGATGTTTTGGAA-3'
Protein context (NP_001278232.1, residues 1296-1316): NSTCTLNIDI[Leu1306Phe]DENDNTPSFP